The following is an entry in ClinVar:

ClinVar aggregate classification (germline): Uncertain significance. Review status: criteria provided, multiple submitters, no conflicts (2 of 4 stars). 2 submissions from 2 submitters: Uncertain significance (2). Last evaluated 2025-03-01.

Allele frequency attached by ClinVar (database versions not stated): gnomAD exomes 0.00001; ExAC 0.00002.
gnomAD v4.1: 11 of 1,612,874 alleles (0.00068%); highest among the groups gnomAD compares: South Asian, 0.012%; no homozygotes.

Submissions (2):

Ambry Genetics
Classification: Uncertain significance. Last evaluated: 2025-03-01. Review status: criteria provided, single submitter. Criteria: Ambry Variant Classification Scheme 2023. Collection method: clinical testing. Allele origin: germline.
Comment: The p.S327P variant (also known as c.979T>C), located in coding exon 8 of the RECQL gene, results from a T to C substitution at nucleotide position 979. The serine at codon 327 is replaced by proline, an amino acid with similar properties. This amino acid position is conserved. In addition, the in silico prediction for this alteration is inconclusive. Based on the available evidence, the clinical significance of this variant remains unclear.

Labcorp Genetics (formerly Invitae), Labcorp
Classification: Uncertain significance. Last evaluated: 2023-04-15. Review status: criteria provided, single submitter. Criteria: Invitae Variant Classification Sherloc (09022015). Collection method: clinical testing. Allele origin: germline.
Comment: This sequence change replaces serine, which is neutral and polar, with proline, which is neutral and non-polar, at codon 327 of the RECQL protein (p.Ser327Pro). This variant is present in population databases (rs753349944, gnomAD 0.007%). In summary, the available evidence is currently insufficient to determine the role of this variant in disease. Therefore, it has been classified as a Variant of Uncertain Significance. Advanced modeling of protein sequence and biophysical properties (such as structural, functional, and spatial information, amino acid conservation, physicochemical variation, residue mobility, and thermodynamic stability) performed at Invitae indicates that this missense variant is expected to disrupt RECQL protein function. This variant has not been reported in the literature in individuals affected with RECQL-related conditions.

NM_002907.4(RECQL):c.979T>C (p.Ser327Pro)

Gene: RECQL (RecQ like helicase; minus strand). Cytogenetic location: 12p12.1.
Variant type: single nucleotide variant.
Coding change: c.979T>C on transcript NM_002907.4 (MANE Select); coding-DNA position 979, T replaced by C.
Protein change: p.Ser327Pro; replaces serine 327 with proline.
Molecular consequence: missense variant.
Genome position (GRCh38, 1-based): chr12:21,475,795, A>G on the plus strand (T>C on the coding strand, the complement: RECQL is on the minus strand). VCF-style: chr12-21475795-A-G. GRCh37 (hg19) VCF-style: chr12-21628729-A-G.
Other names: c.979T>C, p.Ser327Pro (NM_032941.3); c.979T>C (NM_002907.3); short protein forms S327P.
Identifiers: ClinVar variation 2905765 (VCV002905765.4), dbSNP rs753349944, ClinGen allele CA6478890.